The following is an entry in ClinVar:

NC_000003.11:g.(?_47422587)_(47448877_?)dup

Gene: PTPN23 (protein tyrosine phosphatase non-receptor type 23; plus strand). Cytogenetic location: 3p21.31.
Variant type: Duplication.
Identifiers: ClinVar variation 2426155 (VCV002426155.3).

ClinVar aggregate classification (germline): Uncertain significance (1 of 4 stars; one submission).

Submission:

Labcorp Genetics (formerly Invitae), Labcorp
Classification: Uncertain significance. Last evaluated: 2023-05-22. Review status: criteria provided, single submitter. Criteria: Invitae Variant Classification Sherloc (09022015). Collection method: clinical testing. Allele origin: germline.
Comment: In summary, the available evidence is currently insufficient to determine the role of this variant in disease. Therefore, it has been classified as a Variant of Uncertain Significance. Experimental studies and prediction algorithms are not available or were not evaluated, and the functional significance of this variant is currently unknown. This variant has not been reported in the literature in individuals affected with PTPN23-related conditions. This variant results in a copy number gain of the genomic region encompassing exon(s) 1-11 of the PTPN23 gene. This region includes the initiator codon of the gene. This copy number gain extends beyond the assayed region for this gene and therefore may encompass additional genes. As the precise location of this event is unknown, it may be in tandem or it may be located elsewhere in the genome.